The following is an entry in ClinVar:

NM_003153.5(STAT6):c.1255G>C (p.Asp419His)

Gene: STAT6 (signal transducer and activator of transcription 6; minus strand). Cytogenetic location: 12q13.3.
Variant type: single nucleotide variant.
Coding change: c.1255G>C on transcript NM_003153.5 (MANE Select); coding-DNA position 1255, G replaced by C.
Protein change: p.Asp419His; replaces aspartic acid 419 with histidine.
Molecular consequence: missense variant. On other transcripts: non-coding transcript variant (1).
Genome position (GRCh38, 1-based): chr12:57,102,879, C>G on the plus strand (G>C on the coding strand, the complement: STAT6 is on the minus strand). VCF-style: chr12-57102879-C-G. GRCh37 (hg19) VCF-style: chr12-57496662-C-G.
Other names: c.1255G>C, p.Asp419His (NM_001178078.2, NM_001178079.2); c.925G>C, p.Asp309His (NM_001178080.2, NM_001178081.2); short protein forms D419H, D309H.
Identifiers: ClinVar variation 2582689 (VCV002582689.7), dbSNP rs11172102, ClinGen allele CA385395237.

ClinVar aggregate classification (germline): Likely pathogenic. Review status: criteria provided, single submitter (1 of 4 stars). 2 submissions from 2 submitters: Likely pathogenic (1). 1 of the submissions does not count toward it. Last evaluated 2023-10-23.
ClinVar aggregate classification (oncogenicity): Likely oncogenic (1 of 4 stars; one submission).

Conditions:
Hyper-IgE syndrome 6, autosomal dominant, with recurrent infections (HIES6). Identifiers: MedGen C5848786, MONDO:0957807, OMIM 620532.
Neoplasm. Also called: tumor; Neoplasms; Neoplasm (disease). Identifiers: MedGen C0027651, MeSH D009369, MONDO:0005070, HP:0002664.

Submissions (3):

Center for Genomic Medicine, Rigshospitalet, Copenhagen University Hospital
Classification: Likely oncogenic for Neoplasm. Last evaluated: 2025-03-04. Review status: criteria provided, single submitter. Criteria: ClinGen/CGC/VICC Guidelines for Oncogenicity, 2022. Collection method: clinical testing. Allele origin: somatic. Affected: yes.

3billion
Classification: Likely pathogenic for Hyper-IgE syndrome 6, autosomal dominant, with recurrent infections. Last evaluated: 2023-10-23. Review status: criteria provided, single submitter. Criteria: ACMG Guidelines, 2015. Collection method: clinical testing. Allele origin: germline. Affected: yes.
Comment: The variant is not observed in the gnomAD v2.1.1 dataset. Predicted Consequence/Location: Missense changes are a common disease-causing mechanism. In silico tool predictions suggest damaging effect of the variant on gene or gene product [REVEL: 0.76 (>=0.6, sensitivity 0.68 and specificity 0.92); 3Cnet: 0.75 (>=0.6, sensitivity 0.72 and precision 0.9)]. Same nucleotide change resulting in same amino acid change has been previously reported to be associated with STAT6 related disorder (ClinVar ID: VCV002582689). Different missense changes at the same codon (p.Asp419Gly, p.Asp419Tyr) have been reported to be associated with STAT6 related disorder (ClinVar ID: VCV002582687, VCV002582688). Therefore, this variant is classified as Likely pathogenic according to the recommendation of ACMG/AMP guideline.

OMIM
Classification: Pathogenic for HYPER-IgE SYNDROME 6, AUTOSOMAL DOMINANT, WITH RECURRENT INFECTIONS. Last evaluated: 2024-01-31. Review status: no assertion criteria provided. Collection method: literature only. Allele origin: germline. Not counted in ClinVar's aggregate classification.

Literature cited by the submitters: PubMed 16213149 (cited by Center for Genomic Medicine, Rigshospitalet, Copenhagen University Hospital); PubMed 25428220 (cited by Center for Genomic Medicine, Rigshospitalet, Copenhagen University Hospital); PubMed 35795062 (cited by Center for Genomic Medicine, Rigshospitalet, Copenhagen University Hospital); PubMed 36884218 (cited by OMIM); PubMed 37316763 (cited by OMIM).